The following is an entry in ClinVar:

ClinVar aggregate classification (germline): Uncertain significance (1 of 4 stars; one submission).

Conditions:
Intellectual developmental disorder, autosomal dominant 6, with or without seizures. Also called: GRIN2B-related developmental delay, intellectual disability and autism spectrum disorder; Intellectual disability, autosomal dominant 6. Identifiers: Orphanet 589547, MedGen C3151411, MONDO:0013509, OMIM 613970.
Developmental and epileptic encephalopathy, 27 (DEE27). Also called: Epileptic encephalopathy, early infantile, 27; GRIN2B-Related Neurodevelopmental Disorder. Identifiers: Orphanet 3451, MedGen C4015316, MONDO:0014505, OMIM 616139.

Allele frequency attached by ClinVar (database versions not stated): gnomAD exomes below 0.00001.
gnomAD v4.1: 1 of 1,613,504 alleles (0.000062%); highest among the groups gnomAD compares: Non-Finnish European, 0.000085%; no homozygotes.

Submission:

Labcorp Genetics (formerly Invitae), Labcorp
Classification: Uncertain significance for Developmental and epileptic encephalopathy, 27; Intellectual developmental disorder, autosomal dominant 6, with or without seizures. Last evaluated: 2023-04-11. Review status: criteria provided, single submitter. Criteria: Invitae Variant Classification Sherloc (09022015). Collection method: clinical testing. Allele origin: germline.
Comment: In summary, the available evidence is currently insufficient to determine the role of this variant in disease. Therefore, it has been classified as a Variant of Uncertain Significance. Advanced modeling of protein sequence and biophysical properties (such as structural, functional, and spatial information, amino acid conservation, physicochemical variation, residue mobility, and thermodynamic stability) has been performed at Invitae for this missense variant, however the output from this modeling did not meet the statistical confidence thresholds required to predict the impact of this variant on GRIN2B protein function. This variant has not been reported in the literature in individuals affected with GRIN2B-related conditions. This variant is not present in population databases (gnomAD no frequency). This sequence change replaces proline, which is neutral and non-polar, with alanine, which is neutral and non-polar, at codon 858 of the GRIN2B protein (p.Pro858Ala).

NM_000834.5(GRIN2B):c.2572C>G (p.Pro858Ala)

Gene: GRIN2B (glutamate ionotropic receptor NMDA type subunit 2B; minus strand). Cytogenetic location: 12p13.1.
Variant type: single nucleotide variant.
Coding change: c.2572C>G on transcript NM_000834.5 (MANE Select); coding-DNA position 2572, C replaced by G.
Protein change: p.Pro858Ala; replaces proline 858 with alanine.
Molecular consequence: missense variant.
Genome position (GRCh38, 1-based): chr12:13,567,051, G>C on the plus strand (C>G on the coding strand, the complement: GRIN2B is on the minus strand). VCF-style: chr12-13567051-G-C. GRCh37 (hg19) VCF-style: chr12-13719985-G-C.
Other names: c.2572C>G, p.Pro858Ala (NM_001413992.1); short protein forms P858A.
Identifiers: ClinVar variation 2946589 (VCV002946589.3), dbSNP rs2136409452, ClinGen allele CA383995980.